The following is an entry in ClinVar:

ClinVar aggregate classification (germline): Uncertain significance (1 of 4 stars; one submission).

Conditions:
X-linked syndromic intellectual disability. Also called: X-linked mental retardation, syndromic; Intellectual developmental disorder, X-linked syndromic. Identifiers: MedGen CN228426, MONDO:0020119.

Submission:

Dasa
Classification: Uncertain significance for X-linked syndromic intellectual disability. Last evaluated: 2025-12-15. Review status: criteria provided, single submitter. Criteria: DASA Assertion Criteria. Collection method: clinical testing. Allele origin: germline.
Comment: NM_018684.4(ZC4H2):c.212C>G (p.Ala71Gly) is a missense variant that results in the substitution of alanine with glycine. The affected residue or protein region has prior evidence supporting clinical relevance. This variant is rare in population databases. The currently available literature and clinical evidence are not sufficient to establish a definitive association between this variant and the reported condition. Therefore, this variant is classified as a variant of uncertain significance.

NM_018684.4(ZC4H2):c.212C>G (p.Ala71Gly)

Gene: ZC4H2 (zinc finger C4H2-type containing; minus strand). Cytogenetic location: Xq11.2.
Variant type: single nucleotide variant.
Coding change: c.212C>G on transcript NM_018684.4 (MANE Select); coding-DNA position 212, C replaced by G.
Protein change: p.Ala71Gly; replaces alanine 71 with glycine.
Molecular consequence: missense variant. On other transcripts: non-coding transcript variant (1).
Genome position (GRCh38, 1-based): chrX:64,921,830, G>C on the plus strand (C>G on the coding strand, the complement: ZC4H2 is on the minus strand). VCF-style: chrX-64921830-G-C. GRCh37 (hg19) VCF-style: chrX-64141710-G-C.
Other names: c.143C>G, p.Ala48Gly (NM_001178032.3, NM_001243804.2); c.212C>G, p.Ala71Gly (NM_001178033.3); short protein forms A48G, A71G.
Identifiers: ClinVar variation 4882419 (VCV004882419.2).